The following is an entry in ClinVar:

NM_006186.4(NR4A2):c.*352C>A

Gene: NR4A2 (nuclear receptor subfamily 4 group A member 2; minus strand). Cytogenetic location: 2q24.1.
Variant type: single nucleotide variant.
Coding change: c.*352C>A on transcript NM_006186.4 (MANE Select); 352 bases downstream of the stop codon, C replaced by A.
Molecular consequence: 3 prime UTR variant.
Genome position (GRCh38, 1-based): chr2:156,325,392, G>T on the plus strand (C>A on the coding strand, the complement: NR4A2 is on the minus strand). VCF-style: chr2-156325392-G-T. GRCh37 (hg19) VCF-style: chr2-157181904-G-T.
Other names: c.*352C>A (NM_173173.3).
Identifiers: ClinVar variation 331654 (VCV000331654.5), dbSNP rs115393922, ClinGen allele CA10611056.

ClinVar aggregate classification (germline): Benign (1 of 4 stars; one submission).

Conditions:
Parkinson disease, late-onset (PD). Also called: PARKINSON DISEASE, LATE-ONSET, SUSCEPTIBILITY TO; Susceptibility to Parkinson's Disease; Hereditary late onset Parkinson disease. Identifiers: Orphanet 411602, MedGen C3160718, MONDO:0008199, OMIM 168600.

Allele frequency attached by ClinVar (database versions not stated): gnomAD exomes 0.00061; gnomAD 0.00297 and 0.00316; TOPMed 0.00344; 1000 Genomes Project 0.00379; 1000 Genomes Project 30x 0.00437.
gnomAD v4.1: 572 of 340,886 alleles (0.17%); highest among the groups gnomAD compares: African/African-American, 0.95%; 5 homozygotes.

Submission:

Illumina Laboratory Services, Illumina
Classification: Benign for Parkinson disease, late-onset. Last evaluated: 2018-01-13. Review status: criteria provided, single submitter. Criteria: ICSL Variant Classification Criteria 13 December 2019. Collection method: clinical testing. Allele origin: germline.
Comment: This variant was observed in the ICSL laboratory as part of a predisposition screen in an ostensibly healthy population. It had not been previously curated by ICSL or reported in the Human Gene Mutation Database (HGMD: prior to June 1st, 2018), and was therefore a candidate for classification through an automated scoring system. Utilizing variant allele frequency, disease prevalence and penetrance estimates, and inheritance mode, an automated score was calculated to assess if this variant is too frequent to cause the disease. Based on the score and internal cut-off values, a variant classified as benign is not then subjected to further curation. The score for this variant resulted in a classification of benign for this disease.